The following is an entry in ClinVar:

ClinVar aggregate classification (germline): Conflicting classifications of pathogenicity. Review status: criteria provided, conflicting classifications (1 of 4 stars). 3 submissions from 3 submitters: Likely pathogenic (1); Uncertain significance (2). Last evaluated 2024-12-11.

Conditions:
Hereditary cancer-predisposing syndrome. Also called: Neoplastic Syndromes, Hereditary; Hereditary Cancer Syndrome; Tumor predisposition; Hereditary neoplastic syndrome. Identifiers: Orphanet 140162, MedGen C0027672, MeSH D009386, MONDO:0015356.
Familial adenomatous polyposis 2. Also called: MUTYH-associated polyposis; MUTYH Polyposis; FAP type 2; Adenomas, multiple colorectal; COLORECTAL ADENOMATOUS POLYPOSIS, AUTOSOMAL RECESSIVE; ADENOMAS, MULTIPLE COLORECTAL, AUTOSOMAL RECESSIVE. Identifiers: Orphanet 220460, Orphanet 247798, MedGen C3272841, MONDO:0012041, OMIM 608456.

Submissions (3):

Ambry Genetics
Classification: Uncertain significance for Hereditary cancer-predisposing syndrome. Last evaluated: 2024-12-11. Review status: criteria provided, single submitter. Criteria: Ambry Variant Classification Scheme 2023. Collection method: clinical testing. Allele origin: germline.
Comment: The c.1550_1551delGCinsAG variant, located in coding exon 16 of the MUTYH gene, results from an in-frame deletion of GC and insertion of AG at nucleotide positions 1550 to 1551. This results in the substitution of a premature stop codon for a cysteine residue at codon 517 (p.C517*). This alteration occurs at the 3' terminus of theMUTYH gene, is not expected to trigger nonsense-mediated mRNAdecay, and only impacts the last 6% of the protein. The exact functional effect of this alteration is unknown. Based on internal structural analysis, C517* deletes the PCNA binding motif (QQVLDNFF) at amino acid positions 526 to 533 and is deleterious (Parker A et al. J Biol Chem, 2001 Feb;276:5547-55; Chang DY et al. J Biol Chem, 2002 Apr;277:11853-8; Ambry internal data). Since supporting evidence is limited at this time, the clinical significance of this alteration remains unclear.

Labcorp Genetics (formerly Invitae), Labcorp
Classification: Likely pathogenic for Familial adenomatous polyposis 2. Last evaluated: 2024-06-12. Review status: criteria provided, single submitter. Criteria: Invitae Variant Classification Sherloc (09022015). Collection method: clinical testing. Allele origin: germline.
Comment: This sequence change creates a premature translational stop signal (p.Cys517*) in the MUTYH gene. While this is not anticipated to result in nonsense mediated decay, it is expected to disrupt the last 33 amino acid(s) of the MUTYH protein. Information on the frequency of this variant in the gnomAD database is not available, as this variant may be reported differently in the database. This premature translational stop signal has been observed in individual(s) with colorectal cancer (PMID: 35904628). ClinVar contains an entry for this variant (Variation ID: 142786). This variant disrupts the conserved PCNA binding motif of the MUTYH protein, which has been shown to be critical for MUTYH-PCNA binding and repair efficiency (PMID: 11092888, 26377631, 11433026, 11864576). While functional studies have not been performed to directly test the effect of this variant on MUTYH protein function, this suggests that disruption of this region of the protein is causative of disease. In summary, the currently available evidence indicates that the variant is pathogenic, but additional data are needed to prove that conclusively. Therefore, this variant has been classified as Likely Pathogenic.

MGZ Medical Genetics Center
Classification: Uncertain significance for Familial adenomatous polyposis 2. Last evaluated: 2022-03-16. Review status: criteria provided, single submitter. Criteria: ACMG Guidelines, 2015. Collection method: clinical testing. Allele origin: germline. Affected: yes. Observed: 1 variant allele.
Comment: ACMG criteria applied: PVS1_STR, PM2_SUP

Literature cited by the submitters: PubMed 11092888 (cited by Ambry Genetics and Labcorp Genetics (formerly Invitae), Labcorp); PubMed 11805113 (cited by Ambry Genetics); PubMed 35904628 (cited by Ambry Genetics and Labcorp Genetics (formerly Invitae), Labcorp); PubMed 26377631 (cited by Labcorp Genetics (formerly Invitae), Labcorp); PubMed 11433026 (cited by Labcorp Genetics (formerly Invitae), Labcorp); PubMed 11864576 (cited by Labcorp Genetics (formerly Invitae), Labcorp).

NM_001048174.2(MUTYH):c.1466_1467delinsAG (p.Cys489Ter)

Gene: MUTYH (mutY DNA glycosylase; minus strand). Cytogenetic location: 1p34.1.
Variant type: Indel.
Coding change: c.1466_1467delinsAG on transcript NM_001048174.2 (MANE Select); coding-DNA positions 1466 to 1467, GC replaced by AG.
Protein change: p.Cys489Ter; replaces cysteine 489 with a stop codon.
Molecular consequence: nonsense. On other transcripts: non-coding transcript variant (2).
Genome position (GRCh38, 1-based): chr1:45,329,405-45,329,406, GC replaced by CT on the plus strand (GC replaced by AG on the coding strand, the reverse complement: MUTYH is on the minus strand). VCF-style: chr1-45329405-GC-CT. GRCh37 (hg19) VCF-style: chr1-45795077-GC-CT.
Other names: c.1550_1551delGCinsAG (NM_001128425.1); c.1466_1467delinsAG, p.Cys489Ter (NM_001048171.2, NM_001048173.2, NM_001293195.2); c.1469_1470delinsAG, p.Cys490Ter (NM_001048172.2); c.1550_1551delinsAG, p.Cys517Ter (NM_001128425.2); c.1511_1512delinsAG, p.Cys504Ter (NM_001293190.2); c.1499_1500delinsAG, p.Cys500Ter (NM_001293191.2); c.1190_1191delinsAG, p.Cys397Ter (NM_001293192.2, NM_001293196.2); c.1121_1122delinsAG, p.Cys374Ter (NM_001350650.2, NM_001350651.2); and 1 more; short protein forms C397*, C504*, C514*, C489*, C517*, C374*, C490*, C500*.
Identifiers: ClinVar variation 142786 (VCV000142786.13), dbSNP rs587782716, ClinGen allele CA013004.